The following is an entry in ClinVar:

ClinVar aggregate classification (germline): Uncertain significance. Review status: criteria provided, multiple submitters, no conflicts (2 of 4 stars). 6 submissions from 6 submitters: Uncertain significance (6). Last evaluated 2026-05-05.

Conditions:
BBS1-related disorder. Also called: BBS1-related condition.
Inborn genetic diseases. Identifiers: MedGen C0950123, MeSH D030342.
Bardet-Biedl syndrome (BBS). Identifiers: Orphanet 110, MedGen C0752166, MONDO:0015229.
Bardet-Biedl syndrome 1 (BBS1). Identifiers: MedGen C2936862, MONDO:0008854, OMIM 209900. Disease mechanism: loss of function.

Allele frequency attached by ClinVar (database versions not stated): gnomAD 0.00003 and 0.00004; gnomAD exomes 0.00002; TOPMed 0.00005; ESP Exome Variant Server 0.00015; ExAC 0.00002.
gnomAD v4.1: 27 of 1,614,078 alleles (0.0017%); highest among the groups gnomAD compares: African/African-American, 0.0093%; no homozygotes.

Submissions (6):

PreventionGenetics, part of Exact Sciences
Classification: Uncertain significance for BBS1-related condition. Last evaluated: 2026-05-05. Review status: criteria provided, single submitter. Criteria: ACMG Guidelines, 2015. Collection method: clinical testing. Allele origin: germline.
Comment: The BBS1 c.745G>A variant is predicted to result in the amino acid substitution p.Val249Ile. To our knowledge, this variant has not been reported in the literature. This variant is reported in 0.012% of alleles in individuals of African descent in gnomAD. At this time, the clinical significance of this variant is uncertain due to the absence of conclusive functional and genetic evidence.

Ambry Genetics
Classification: Uncertain significance for Inborn genetic diseases. Last evaluated: 2025-06-06. Review status: criteria provided, single submitter. Criteria: Ambry Variant Classification Scheme 2023. Collection method: clinical testing. Allele origin: germline.

Blueprint Genetics
Classification: Uncertain significance. Last evaluated: 2024-07-15. Review status: criteria provided, single submitter. Criteria: ACMG Guidelines, 2015. Collection method: clinical testing. Allele origin: germline.

Fulgent Genetics
Classification: Uncertain significance for Bardet-Biedl syndrome 1. Last evaluated: 2024-05-16. Review status: criteria provided, single submitter. Criteria: ACMG Guidelines, 2015. Collection method: clinical testing. Allele origin: germline.

Women's Health and Genetics/Laboratory Corporation of America, LabCorp
Classification: Uncertain significance. Last evaluated: 2022-05-11. Review status: criteria provided, single submitter. Criteria: LabCorp Variant Classification Summary - May 2015. Collection method: clinical testing. Allele origin: germline.
Comment: Variant summary: BBS1 c.745G>A (p.Val249Ile) results in a conservative amino acid change located in the Bardet-Biedl syndrome 1, N-terminal domain (IPR032728) of the encoded protein sequence. Four of five in-silico tools predict a benign effect of the variant on protein function. The variant allele was found at a frequency of 2.4e-05 in 251488 control chromosomes (gnomAD). The available data on variant occurrences in the general population are insufficient to allow any conclusion about variant significance. To our knowledge, no occurrence of c.745G>A in individuals affected with Bardet-Biedl Syndrome and no experimental evidence demonstrating its impact on protein function have been reported. One ClinVar submitter has assessed the variant since 2014: the variant was classified as of uncertain significance. Based on the evidence outlined above, the variant was classified as uncertain significance.

Labcorp Genetics (formerly Invitae), Labcorp
Classification: Uncertain significance for Bardet-Biedl syndrome. Last evaluated: 2022-02-21. Review status: criteria provided, single submitter. Criteria: Invitae Variant Classification Sherloc (09022015). Collection method: clinical testing. Allele origin: germline.
Comment: This sequence change replaces valine, which is neutral and non-polar, with isoleucine, which is neutral and non-polar, at codon 249 of the BBS1 protein (p.Val249Ile). This variant is present in population databases (rs139145556, gnomAD 0.008%). This variant has not been reported in the literature in individuals affected with BBS1-related conditions. Algorithms developed to predict the effect of missense changes on protein structure and function are either unavailable or do not agree on the potential impact of this missense change (SIFT: "Tolerated"; PolyPhen-2: "Possibly Damaging"; Align-GVGD: "Class C0"). In summary, the available evidence is currently insufficient to determine the role of this variant in disease. Therefore, it has been classified as a Variant of Uncertain Significance.

NM_024649.5(BBS1):c.745G>A (p.Val249Ile)

Genes: BBS1 (Bardet-Biedl syndrome 1; plus strand), ZDHHC24 (zDHHC palmitoyltransferase 24; minus strand). Cytogenetic location: 11q13.2.
Variant type: single nucleotide variant.
Coding change: c.745G>A on transcript NM_024649.5 (MANE Select); coding-DNA position 745, G replaced by A.
Protein change: p.Val249Ile; replaces valine 249 with isoleucine.
Molecular consequence: missense variant. On other transcripts: 3 prime UTR variant (1).
Genome position (GRCh38, 1-based): chr11:66,521,291, G>A. VCF-style: chr11-66521291-G-A. GRCh37 (hg19) VCF-style: chr11-66288762-G-A.
Other names: c.*197C>T (NM_001348571.2); short protein forms V249I.
Identifiers: ClinVar variation 1405783 (VCV001405783.12), dbSNP rs139145556, ClinGen allele CA6123480.
Genomic context (GRCh38, chr11:66,521,291, plus strand): 5'-CTCCAGAGAAATTGGAGTGTTTGCGCTTCTTGTTTGCAGATGAGCCTTCCCAGCGTCCCC[G>A]TCTTCCTAGAGGTTTCTGGCCAGTTTGATGTTGAGTTCCGGCTTGCCGCGGCCTGCCGCA-3'
Protein context (NP_078925.3, residues 239-259): LAKMSLPSVP[Val249Ile]FLEVSGQFDV